The following is an entry in ClinVar:

ClinVar aggregate classification (germline): Uncertain significance (1 of 4 stars; one submission).

Conditions:
Ullrich congenital muscular dystrophy 2 (UCMD2). Identifiers: Orphanet 75840, MedGen C4225314, MONDO:0014654, OMIM 616470.
Bethlem myopathy 2 (BTHLM2). Identifiers: Orphanet 536516, Orphanet 610, MedGen C4225313, MONDO:0034022, OMIM 616471.

Submission:

Labcorp Genetics (formerly Invitae), Labcorp
Classification: Uncertain significance for Bethlem myopathy 2; Ullrich congenital muscular dystrophy 2. Last evaluated: 2024-01-29. Review status: criteria provided, single submitter. Criteria: Invitae Variant Classification Sherloc (09022015). Collection method: clinical testing. Allele origin: germline.
Comment: This sequence change replaces alanine, which is neutral and non-polar, with threonine, which is neutral and polar, at codon 1957 of the COL12A1 protein (p.Ala1957Thr). This variant is not present in population databases (gnomAD no frequency). This variant has not been reported in the literature in individuals affected with COL12A1-related conditions. Advanced modeling of protein sequence and biophysical properties (such as structural, functional, and spatial information, amino acid conservation, physicochemical variation, residue mobility, and thermodynamic stability) performed at Invitae indicates that this missense variant is expected to disrupt COL12A1 protein function with a positive predictive value of 80%. In summary, the available evidence is currently insufficient to determine the role of this variant in disease. Therefore, it has been classified as a Variant of Uncertain Significance.

NM_004370.6(COL12A1):c.5869G>A (p.Ala1957Thr)

Gene: COL12A1 (collagen type XII alpha 1 chain; minus strand). Cytogenetic location: 6q13.
Variant type: single nucleotide variant.
Coding change: c.5869G>A on transcript NM_004370.6 (MANE Select); coding-DNA position 5869, G replaced by A.
Protein change: p.Ala1957Thr; replaces alanine 1957 with threonine.
Molecular consequence: missense variant.
Genome position (GRCh38, 1-based): chr6:75,132,008, C>T on the plus strand (G>A on the coding strand, the complement: COL12A1 is on the minus strand). VCF-style: chr6-75132008-C-T. GRCh37 (hg19) VCF-style: chr6-75841724-C-T.
Other names: c.5869G>A, p.Ala1957Thr (NM_001424113.1); c.5848G>A, p.Ala1950Thr (NM_001424114.1); c.5596G>A, p.Ala1866Thr (NM_001424115.1); c.2377G>A, p.Ala793Thr (NM_001424116.1, NM_080645.3); short protein forms A1866T, A1957T, A793T, A1950T.
Identifiers: ClinVar variation 2922693 (VCV002922693.3), dbSNP rs2533277083, ClinGen allele CA364732904.